The following is an entry in ClinVar:

NM_001367871.1(FBRSL1):c.2544G>A (p.Pro848=)

Gene: FBRSL1 (fibrosin like 1; plus strand). Cytogenetic location: 12q24.33.
Variant type: single nucleotide variant.
Coding change: c.2544G>A on transcript NM_001367871.1 (MANE Select); coding-DNA position 2544, G replaced by A.
Protein change: p.Pro848=; no amino-acid change (proline 848 retained).
Molecular consequence: synonymous variant.
Genome position (GRCh38, 1-based): chr12:132,583,313, G>A. VCF-style: chr12-132583313-G-A. GRCh37 (hg19) VCF-style: chr12-133159899-G-A.
Other names: c.2673G>A, p.Pro891= (NM_001142641.2); c.2598G>A, p.Pro866= (NM_001382739.1); c.1923G>A, p.Pro641= (NM_001382740.1).
Identifiers: ClinVar variation 2643651 (VCV002643651.24), dbSNP rs1445491388, ClinGen allele CA482847671.

ClinVar aggregate classification (germline): Likely benign (1 of 4 stars; one submission).

Allele frequency attached by ClinVar (database versions not stated): TOPMed 0.00001; gnomAD 0.00002; gnomAD exomes 0.00007.
gnomAD v4.1: 73 of 1,193,444 alleles (0.0061%); highest among the groups gnomAD compares: Non-Finnish European, 0.0073%; 1 homozygote.

Submission:

CeGaT Center for Human Genetics Tuebingen
Classification: Likely benign. Last evaluated: 2023-05-01. Review status: criteria provided, single submitter. Criteria: CeGaT Center For Human Genetics Tuebingen Variant Classification Criteria Version 2. Collection method: clinical testing. Allele origin: germline. Affected: yes. Observed: 1 variant allele.
Comment: FBRSL1: BP4, BP7